The following is an entry in ClinVar:

NM_005120.3(MED12):c.5560C>T (p.Arg1854Cys)

Gene: MED12 (mediator complex subunit 12; plus strand). Cytogenetic location: Xq13.1.
Variant type: single nucleotide variant.
Coding change: c.5560C>T on transcript NM_005120.3 (MANE Select); coding-DNA position 5560, C replaced by T.
Protein change: p.Arg1854Cys; replaces arginine 1854 with cysteine.
Molecular consequence: missense variant.
Genome position (GRCh38, 1-based): chrX:71,137,195, C>T. VCF-style: chrX-71137195-C-T. GRCh37 (hg19) VCF-style: chrX-70357045-C-T.
Other names: short protein forms R1854C.
Identifiers: ClinVar variation 3893570 (VCV003893570.2).

ClinVar aggregate classification (germline): Uncertain significance (1 of 4 stars; one submission).

gnomAD v4.1: 2 of 1,211,658 alleles (0.00017%); highest among the groups gnomAD compares: Non-Finnish European, 0.00022%; no homozygotes.

Submission:

GeneDx
Classification: Uncertain significance. Last evaluated: 2025-06-23. Review status: criteria provided, single submitter. Criteria: GeneDx Variant Classification Process June 2021. Collection method: clinical testing. Allele origin: germline.
Comment: Not observed at significant frequency in large population cohorts (gnomAD); In silico analysis supports that this missense variant has a deleterious effect on protein structure/function; Has not been previously published as pathogenic or benign to our knowledge